The following is an entry in ClinVar:

NM_000431.4(MVK):c.1063del (p.Ala355fs)

Gene: MVK (mevalonate kinase; plus strand). Cytogenetic location: 12q24.11.
Variant type: Deletion.
Coding change: c.1063del on transcript NM_000431.4 (MANE Select); coding-DNA position 1063, one base deleted (G; older notation c.1063delG).
Protein change: p.Ala355fs; shifts the reading frame from alanine 355.
Molecular consequence: frameshift variant. On other transcripts: non-coding transcript variant (4).
Genome position (GRCh38, 1-based): chr12:109,596,449, G deleted; the last of 2 consecutive G bases (chr12:109,596,448-109,596,449); deleting either gives the same sequence. VCF-style (leftmost placement, unchanged base first): chr12-109596447-AG-A. GRCh37 (hg19) VCF-style: chr12-110034252-AG-A.
Other names: c.1063del, p.Ala355fs (NM_001114185.3, NM_001414511.1); c.907del, p.Ala303fs (NM_001301182.2); c.1138del, p.Ala380fs (NM_001414512.1); c.1074del, p.Arg358fs (NM_001414513.1); c.918del, p.Arg306fs (NM_001414514.1); c.481del, p.Ala161fs (NM_001414515.1); short protein forms A380fs, A161fs, R306fs, R358fs, A303fs, A355fs.
Identifiers: ClinVar variation 2953508 (VCV002953508.3), dbSNP rs2548642794, ClinGen allele CA2740090820.

ClinVar aggregate classification (germline): Pathogenic (1 of 4 stars; one submission).

Conditions:
Mevalonic aciduria (MEVA). Identifiers: Orphanet 29, MedGen C1959626, MONDO:0012481, OMIM 610377.
Porokeratosis 3, disseminated superficial actinic type (POROK3). Also called: POROKERATOSIS, DISSEMINATED SUPERFICIAL ACTINIC, 1; POROKERATOSIS 3, MULTIPLE TYPES; POROKERATOSIS 3, MIBELLI TYPE. Identifiers: MedGen C1867981, MONDO:0008293, OMIM 175900.
Hyperimmunoglobulin D with periodic fever (HIDS). Also called: Hyperimmunoglobulinemia D; HYPERIMMUNOGLOBULINEMIA D AND PERIODIC FEVER SYNDROME; Hyperimmunoglobulinemia D with periodic fever. Identifiers: Orphanet 343, MedGen C0398691, MONDO:0009849, OMIM 260920.

Submission:

Labcorp Genetics (formerly Invitae), Labcorp
Classification: Pathogenic for Mevalonic aciduria; Hyperimmunoglobulin D with periodic fever; Porokeratosis 3, disseminated superficial actinic type. Last evaluated: 2023-11-02. Review status: criteria provided, single submitter. Criteria: Invitae Variant Classification Sherloc (09022015). Collection method: clinical testing. Allele origin: germline.
Comment: This sequence change creates a premature translational stop signal (p.Ala355Profs*6) in the MVK gene. While this is not anticipated to result in nonsense mediated decay, it is expected to disrupt the last 42 amino acid(s) of the MVK protein. This variant is not present in population databases (gnomAD no frequency). This variant has not been reported in the literature in individuals affected with MVK-related conditions. This variant disrupts a region of the MVK protein in which other variant(s) (p.Arg388*) have been determined to be pathogenic (PMID: 23146290, 23998246, 27012807). This suggests that this is a clinically significant region of the protein, and that variants that disrupt it are likely to be disease-causing. For these reasons, this variant has been classified as Pathogenic.

Literature cited by the submitters: PubMed 23146290; PubMed 23998246; PubMed 27012807.